The following is an entry in ClinVar:

NM_001242957.3(MAK):c.172A>G (p.Asn58Asp)

Gene: MAK (male germ cell associated kinase; minus strand). Cytogenetic location: 6p24.2.
Variant type: single nucleotide variant.
Coding change: c.172A>G on transcript NM_001242957.3 (MANE Select); coding-DNA position 172, A replaced by G.
Protein change: p.Asn58Asp; replaces asparagine 58 with aspartic acid.
Molecular consequence: missense variant. On other transcripts: non-coding transcript variant (2).
Genome position (GRCh38, 1-based): chr6:10,817,956, T>C on the plus strand (A>G on the coding strand, the complement: MAK is on the minus strand). VCF-style: chr6-10817956-T-C. GRCh37 (hg19) VCF-style: chr6-10818189-T-C.
Other names: c.172A>G (NM_005906.4); c.172A>G, p.Asn58Asp (NM_001242385.2, NM_005906.6); c.70A>G, p.Asn24Asp (NM_001377262.1); short protein forms N58D, N24D.
Identifiers: ClinVar variation 1496091 (VCV001496091.5), dbSNP rs758042729, ClinGen allele CA3633792.
Genomic context (GRCh38, chr6:10,817,956, plus strand): 5'-TAAAATAAAGATGGTCATTTTCTCTGATAACTTCTTTCAATTTAATAACATTGGCATGAT[T>C]AAGTTTCTTCAGAGACTGAAAAATAACAAATATGCCTTAAAATTTCTTAAAAAAAACTTA-3'
Protein context (NP_001229886.1, residues 48-68): LREVKSLKKL[Asn58Asp]HANVIKLKEV

ClinVar aggregate classification (germline): Uncertain significance. Review status: criteria provided, multiple submitters, no conflicts (2 of 4 stars). 2 submissions from 2 submitters: Uncertain significance (2). Last evaluated 2025-11-24.

Conditions:
Inborn genetic diseases. Identifiers: MedGen C0950123, MeSH D030342.

Allele frequency attached by ClinVar (database versions not stated): gnomAD exomes 0.00002 and 0.00003; TOPMed 0.00002; gnomAD 0.00003; ExAC 0.00007.
gnomAD v4.1: 30 of 1,440,694 alleles (0.0021%); highest among the groups gnomAD compares: Non-Finnish European, 0.0028%; no homozygotes.

Submissions (2):

Labcorp Genetics (formerly Invitae), Labcorp
Classification: Uncertain significance. Last evaluated: 2025-11-24. Review status: criteria provided, single submitter. Criteria: Invitae Variant Classification Sherloc (09022015). Collection method: clinical testing. Allele origin: germline.
Comment: This sequence change replaces asparagine, which is neutral and polar, with aspartic acid, which is acidic and polar, at codon 58 of the MAK protein (p.Asn58Asp). This variant is present in population databases (rs758042729, gnomAD 0.005%). This variant has not been reported in the literature in individuals affected with MAK-related conditions. ClinVar contains an entry for this variant (Variation ID: 1496091). Invitae Evidence Modeling of protein sequence and biophysical properties (such as structural, functional, and spatial information, amino acid conservation, physicochemical variation, residue mobility, and thermodynamic stability) has been performed for this missense variant. However, the output from this modeling did not meet the statistical confidence thresholds required to predict the impact of this variant on MAK protein function. In summary, the available evidence is currently insufficient to determine the role of this variant in disease. Therefore, it has been classified as a Variant of Uncertain Significance.

Ambry Genetics
Classification: Uncertain significance for Inborn genetic diseases. Last evaluated: 2025-06-23. Review status: criteria provided, single submitter. Criteria: Ambry Variant Classification Scheme 2023. Collection method: clinical testing. Allele origin: germline.